The following is an entry in ClinVar:

ClinVar aggregate classification (germline): Uncertain significance (1 of 4 stars; one submission).

Submission:

GeneDx
Classification: Uncertain significance. Last evaluated: 2025-03-07. Review status: criteria provided, single submitter. Criteria: GeneDx Variant Classification Process June 2021. Collection method: clinical testing. Allele origin: germline. Affected: yes.
Comment: Not observed at significant frequency in large population cohorts (gnomAD); Frameshift variant predicted to result in protein truncation or nonsense mediated decay in a gene or region of a gene for which loss of function is not a well-established mechanism of disease; Has not been previously published as pathogenic or benign to our knowledge

NM_000965.5(RARB):c.206del (p.Pro69fs)

Gene: RARB (retinoic acid receptor beta; plus strand). Cytogenetic location: 3p24.2.
Variant type: Deletion.
Coding change: c.206del on transcript NM_000965.5 (MANE Select); coding-DNA position 206, one base deleted (C; older notation c.206delC).
Protein change: p.Pro69fs; shifts the reading frame from proline 69.
Molecular consequence: frameshift variant. On other transcripts: 5 prime UTR variant (3), non-coding transcript variant (2).
Genome position (GRCh38, 1-based): chr3:25,461,241, C deleted; the last of 6 consecutive C bases (chr3:25,461,236-25,461,241); deleting any one gives the same sequence. VCF-style (leftmost placement, unchanged base first): chr3-25461235-GC-G. GRCh37 (hg19) VCF-style: chr3-25502726-GC-G.
Other names: c.227del, p.Pro76fs (NM_001290216.3); c.-131del (NM_001290217.2, NM_001290276.2, NM_016152.4); c.59del, p.Pro20fs (NM_001290266.2); c.206del, p.Pro69fs (NM_001290277.1); c.77del, p.Pro26fs (NM_001290300.2); short protein forms P20fs, P26fs, P69fs, P76fs.
Identifiers: ClinVar variation 4082810 (VCV004082810.1).